The following is an entry in ClinVar:

ClinVar aggregate classification (germline): Likely benign (1 of 4 stars; one submission).

Allele frequency attached by ClinVar (database versions not stated): gnomAD 0.01090 and 0.01154; TOPMed 0.01210; 1000 Genomes Project 0.01478; 1000 Genomes Project 30x 0.01577.
gnomAD v4.1: 1,641 of 152,330 alleles (1.1%); highest among the groups gnomAD compares: African/African-American, 3.7%; 39 homozygotes.

Submission:

GeneDx
Classification: Likely benign. Last evaluated: 2021-05-25. Review status: criteria provided, single submitter. Criteria: GeneDx Variant Classification Process June 2021. Collection method: clinical testing. Allele origin: germline. Affected: yes.
Comment: See Variant Classification Assertion Criteria.

NM_006946.4(SPTBN2):c.2678+208C>G

Gene: SPTBN2 (spectrin beta, non-erythrocytic 2; minus strand). Cytogenetic location: 11q13.2.
Variant type: single nucleotide variant.
Coding change: c.2678+208C>G on transcript NM_006946.4 (MANE Select); 208 bases into the intron after coding-DNA position 2678, C replaced by G.
Molecular consequence: intron variant.
Genome position (GRCh38, 1-based): chr11:66,704,390, G>C on the plus strand (C>G on the coding strand, the complement: SPTBN2 is on the minus strand). VCF-style: chr11-66704390-G-C. GRCh37 (hg19) VCF-style: chr11-66471861-G-C.
Identifiers: ClinVar variation 1683822 (VCV001683822.2), dbSNP rs77000671, ClinGen allele CA224085438.